The following is an entry in ClinVar:

NM_001267550.2(TTN):c.40837G>A (p.Ala13613Thr)

Gene: TTN (titin; minus strand). Cytogenetic location: 2q31.2.
Variant type: single nucleotide variant.
Coding change: c.40837G>A on transcript NM_001267550.2 (MANE Select); coding-DNA position 40837, G replaced by A.
Protein change: p.Ala13613Thr; replaces alanine 13613 with threonine.
Molecular consequence: missense variant.
Genome position (GRCh38, 1-based): chr2:178,639,738, C>T on the plus strand (G>A on the coding strand, the complement: TTN is on the minus strand). VCF-style: chr2-178639738-C-T. GRCh37 (hg19) VCF-style: chr2-179504465-C-T.
Other names: c.35914G>A, p.Ala11972Thr (NM_001256850.1); c.13642G>A, p.Ala4548Thr (NM_003319.4); c.33133G>A, p.Ala11045Thr (NM_133378.4); c.14017G>A, p.Ala4673Thr (NM_133432.3); c.14218G>A, p.Ala4740Thr (NM_133437.4); short protein forms A11045T, A11972T, A13613T, A4548T, A4673T, A4740T.
Identifiers: ClinVar variation 1034241 (VCV001034241.1), dbSNP rs750346508, ClinGen allele CA1996371.

ClinVar aggregate classification (germline): Uncertain significance (1 of 4 stars; one submission).

Conditions:
Myopathy, myofibrillar, 9, with early respiratory failure (MFM9). Also called: Myopathy, distal, with early respiratory failure, autosomal dominant; EDSTROM MYOPATHY; MYOPATHY, PROXIMAL, WITH EARLY RESPIRATORY MUSCLE INVOLVEMENT; Hereditary myopathy with early respiratory failure. Identifiers: Orphanet 178464, Orphanet 34521, MedGen C1863599, MONDO:0011362, OMIM 603689.

Allele frequency attached by ClinVar (database versions not stated): gnomAD exomes below 0.00001 and 0.00003; gnomAD 0.00001; TOPMed 0.00001; ExAC 0.00003.
gnomAD v4.1: 8 of 1,610,728 alleles (0.0005%); highest among the groups gnomAD compares: East Asian, 0.0067%; no homozygotes.

Submission:

Baylor Genetics
Classification: Uncertain significance for Myopathy, myofibrillar, 9, with early respiratory failure. Last evaluated: 2018-01-24. Review status: criteria provided, single submitter. Criteria: ACMG Guidelines, 2015. Collection method: clinical testing. Allele origin: unknown. Affected: yes.
Comment: This variant was determined to be of uncertain significance according to ACMG Guidelines, 2015 [PMID:25741868].